The following is an entry in ClinVar:

NM_002485.5(NBN):c.1528G>A (p.Glu510Lys)

Gene: NBN (nibrin; minus strand). Cytogenetic location: 8q21.3.
Variant type: single nucleotide variant.
Coding change: c.1528G>A on transcript NM_002485.5 (MANE Select); coding-DNA position 1528, G replaced by A.
Protein change: p.Glu510Lys; replaces glutamic acid 510 with lysine.
Molecular consequence: missense variant.
Genome position (GRCh38, 1-based): chr8:89,953,561, C>T on the plus strand (G>A on the coding strand, the complement: NBN is on the minus strand). VCF-style: chr8-89953561-C-T. GRCh37 (hg19) VCF-style: chr8-90965789-C-T.
Other names: c.1282G>A, p.Glu428Lys (NM_001024688.3, NM_001440379.1, NM_001440380.1); short protein forms E510K, E428K.
Identifiers: ClinVar variation 4660485 (VCV004660485.1).

ClinVar aggregate classification (germline): Uncertain significance (1 of 4 stars; one submission).

Conditions:
Hereditary cancer-predisposing syndrome. Also called: Neoplastic Syndromes, Hereditary; Tumor predisposition; Hereditary Cancer Syndrome; Hereditary neoplastic syndrome. Identifiers: Orphanet 140162, MedGen C0027672, MeSH D009386, MONDO:0015356.

Submission:

Ambry Genetics
Classification: Uncertain significance for Hereditary cancer-predisposing syndrome. Last evaluated: 2025-09-21. Review status: criteria provided, single submitter. Criteria: Ambry Variant Classification Scheme 2023. Collection method: clinical testing. Allele origin: germline.
Comment: The p.E510K variant (also known as c.1528G>A), located in coding exon 11 of the NBN gene, results from a G to A substitution at nucleotide position 1528. The glutamic acid at codon 510 is replaced by lysine, an amino acid with similar properties. This amino acid position is conserved. In addition, this alteration is predicted to be tolerated by in silico analysis. Based on the available evidence, the clinical significance of this variant remains unclear.